The following is an entry in ClinVar:

NM_000797.4(DRD4):c.874C>T (p.Pro292Ser)

Gene: DRD4 (dopamine receptor D4; plus strand). Cytogenetic location: 11p15.5.
Variant type: single nucleotide variant.
Coding change: c.874C>T on transcript NM_000797.4 (MANE Select); coding-DNA position 874, C replaced by T.
Protein change: p.Pro292Ser; replaces proline 292 with serine.
Molecular consequence: missense variant.
Genome position (GRCh38, 1-based): chr11:640,123, C>T. VCF-style: chr11-640123-C-T. GRCh37 (hg19) VCF-style: chr11-640123-C-T.
Other names: short protein forms P292S.
Identifiers: ClinVar variation 2324346 (VCV002324346.3), dbSNP rs1201517565, ClinGen allele CA379008155.

ClinVar aggregate classification (germline): Conflicting classifications of pathogenicity. Review status: criteria provided, conflicting classifications (1 of 4 stars). 2 submissions from 2 submitters: Uncertain significance (1); Likely benign (1). Last evaluated 2026-07-01.

Submissions (2):

CeGaT Center for Human Genetics Tuebingen
Classification: Likely benign. Last evaluated: 2026-07-01. Review status: criteria provided, single submitter. Criteria: CeGaT Center For Human Genetics Tuebingen Variant Classification Criteria Version 2. Collection method: clinical testing. Allele origin: germline. Affected: yes. Observed: 1 variant allele.
Comment: DRD4: BP4

Ambry Genetics
Classification: Uncertain significance. Last evaluated: 2022-11-08. Review status: criteria provided, single submitter. Criteria: Ambry Variant Classification Scheme 2023. Collection method: clinical testing. Allele origin: germline.